The following is an entry in ClinVar:

ClinVar aggregate classification (germline): Uncertain significance (1 of 4 stars; one submission).

Conditions:
Spastic paraplegia. Identifiers: MedGen C0037772, HP:0001258.

Submission:

Labcorp Genetics (formerly Invitae), Labcorp
Classification: Uncertain significance for Spastic paraplegia. Last evaluated: 2023-06-08. Review status: criteria provided, single submitter. Criteria: Invitae Variant Classification Sherloc (09022015). Collection method: clinical testing. Allele origin: germline.
Comment: In summary, the available evidence is currently insufficient to determine the role of this variant in disease. Therefore, it has been classified as a Variant of Uncertain Significance. Advanced modeling of protein sequence and biophysical properties (such as structural, functional, and spatial information, amino acid conservation, physicochemical variation, residue mobility, and thermodynamic stability) performed at Invitae indicates that this missense variant is not expected to disrupt KDM5C protein function. This variant has not been reported in the literature in individuals affected with KDM5C-related conditions. This variant is not present in population databases (gnomAD no frequency). This sequence change replaces serine, which is neutral and polar, with threonine, which is neutral and polar, at codon 1340 of the KDM5C protein (p.Ser1340Thr).

NM_004187.5(KDM5C):c.4019G>C (p.Ser1340Thr)

Gene: KDM5C (lysine demethylase 5C; minus strand). Cytogenetic location: Xp11.22.
Variant type: single nucleotide variant.
Coding change: c.4019G>C on transcript NM_004187.5 (MANE Select); coding-DNA position 4019, G replaced by C.
Protein change: p.Ser1340Thr; replaces serine 1340 with threonine.
Molecular consequence: missense variant. On other transcripts: non-coding transcript variant (3).
Genome position (GRCh38, 1-based): chrX:53,194,158, C>G on the plus strand (G>C on the coding strand, the complement: KDM5C is on the minus strand). VCF-style: chrX-53194158-C-G. GRCh37 (hg19) VCF-style: chrX-53223340-C-G.
Other names: c.4016G>C, p.Ser1339Thr (NM_001353979.2, NM_001353982.2, NM_001282622.3); c.4019G>C, p.Ser1340Thr (NM_001353981.2, NM_001353984.2, NM_001353978.3); c.3818G>C, p.Ser1273Thr (NM_001146702.2); short protein forms S1273T, S1340T, S1339T.
Identifiers: ClinVar variation 2768454 (VCV002768454.3), dbSNP rs781964479, ClinGen allele CA413105830.